The following is an entry in ClinVar:

ClinVar aggregate classification (germline): Likely benign. Review status: criteria provided, multiple submitters, no conflicts (2 of 4 stars). 3 submissions from 3 submitters: Likely benign (2). 1 of the submissions does not count toward it. Last evaluated 2026-01-19.

Conditions:
HHAT-related disorder. Also called: HHAT-related condition.

Allele frequency attached by ClinVar (database versions not stated): gnomAD exomes 0.00013 and 0.00036; ExAC 0.00046; 1000 Genomes Project 30x 0.00047; 1000 Genomes Project 0.00060; gnomAD 0.00175 and 0.00190; TOPMed 0.00180; ESP Exome Variant Server 0.00223.
gnomAD v4.1: 468 of 1,614,028 alleles (0.029%); highest among the groups gnomAD compares: African/African-American, 0.53%; 2 homozygotes.

Submissions (3):

Labcorp Genetics (formerly Invitae), Labcorp
Classification: Likely benign. Last evaluated: 2026-01-19. Review status: criteria provided, single submitter. Criteria: Invitae Variant Classification Sherloc (09022015). Collection method: clinical testing. Allele origin: germline.

Breakthrough Genomics
Classification: Likely benign. Review status: criteria provided, single submitter. Criteria: ACMG Guidelines, 2015. Collection method: not provided. Allele origin: germline. Inheritance: Autosomal recessive inheritance. Affected: yes.

PreventionGenetics, part of Exact Sciences
Classification: Likely benign for HHAT-related condition. Last evaluated: 2022-04-22. Review status: no assertion criteria provided. Collection method: clinical testing. Allele origin: germline. Not counted in ClinVar's aggregate classification.
Comment: This variant is classified as likely benign based on ACMG/AMP sequence variant interpretation guidelines (Richards et al. 2015 PMID: 25741868, with internal and published modifications).

NM_018194.6(HHAT):c.68A>G (p.Tyr23Cys)

Gene: HHAT (hedgehog acyltransferase; plus strand). Cytogenetic location: 1q32.2.
Variant type: single nucleotide variant.
Coding change: c.68A>G on transcript NM_018194.6 (MANE Select); coding-DNA position 68, A replaced by G.
Protein change: p.Tyr23Cys; replaces tyrosine 23 with cysteine.
Molecular consequence: missense variant. On other transcripts: intron variant (1).
Genome position (GRCh38, 1-based): chr1:210,349,043, A>G. VCF-style: chr1-210349043-A-G. GRCh37 (hg19) VCF-style: chr1-210522387-A-G.
Other names: c.68A>G, p.Tyr23Cys (NM_001122834.4, NM_001170564.3, NM_001170580.3 and 1 more transcripts); c.95-13809A>G (NM_001170587.3); short protein forms Y23C.
Identifiers: ClinVar variation 775660 (VCV000775660.13), dbSNP rs138327418, ClinGen allele CA1378977.